The following is an entry in ClinVar:

ClinVar aggregate classification (germline): Likely pathogenic (1 of 4 stars; one submission).

Submission:

Labcorp Genetics (formerly Invitae), Labcorp
Classification: Likely pathogenic. Last evaluated: 2023-10-23. Review status: criteria provided, single submitter. Criteria: Invitae Variant Classification Sherloc (09022015). Collection method: clinical testing. Allele origin: germline.
Comment: This sequence change affects a splice site in intron 19 of the SKIV2L gene. It is expected to disrupt RNA splicing. Variants that disrupt the donor or acceptor splice site typically lead to a loss of protein function (PMID: 16199547), and loss-of-function variants in SKIV2L are known to be pathogenic (PMID: 22444670). This variant is not present in population databases (gnomAD no frequency). This variant has not been reported in the literature in individuals affected with SKIV2L-related conditions. Algorithms developed to predict the effect of sequence changes on RNA splicing suggest that this variant may create or strengthen a splice site. In summary, the currently available evidence indicates that the variant is pathogenic, but additional data are needed to prove that conclusively. Therefore, this variant has been classified as Likely Pathogenic.

Literature cited by the submitters: PubMed 16199547; PubMed 22444670.

NM_006929.5(SKIC2):c.2340+1_2340+2insAG

Gene: SKIC2 (SKI2 subunit of superkiller complex; plus strand). Cytogenetic location: 6p21.33.
Variant type: Insertion.
Coding change: c.2340+1_2340+2insAG on transcript NM_006929.5 (MANE Select); the canonical splice donor site of the intron after coding-DNA position 2340, AG inserted.
Molecular consequence: splice donor variant.
Genome position: GRCh38 VCF-style: chr6-31966846-G-GGA. GRCh37 (hg19) VCF-style: chr6-31934623-G-GGA.
Identifiers: ClinVar variation 2771337 (VCV002771337.3), dbSNP rs2482974419, ClinGen allele CA2697546668.
Genomic context (GRCh38, chr6:31,966,846, plus strand): 5'-CAGGGTGGAGGACATGATGAAGAGGAGCTTCTCTGAGTTTCCCTCCCGCAAAGACAGCAA[G>GGA]GTAAGGAGCCTGGGGTAACCAGTGTGTGGAGCAGGAGGTTGGCCAAAGACAGGCTGGGAA-3'